The following is an entry in ClinVar:

ClinVar aggregate classification (germline): Uncertain significance. Review status: criteria provided, multiple submitters, no conflicts (2 of 4 stars). 3 submissions from 3 submitters: Uncertain significance (3). Last evaluated 2025-10-02.

Conditions:
Pheochromocytoma. Also called: MAX-Related Hereditary Paraganglioma-Pheochromocytoma Syndrome. Identifiers: Orphanet 29072, MedGen C0031511, MONDO:0008233, OMIM 171300, HP:0002666.
Gastrointestinal stromal tumor. Also called: Gastrointestinal stromal tumor, somatic; Gastrointestinal stroma tumor. Identifiers: Orphanet 44890, MedGen C0238198, MeSH D046152, MONDO:0011719, OMIM 606764, HP:0100723.
Pheochromocytoma/paraganglioma syndrome 4. Also called: CAROTID BODY TUMORS AND MULTIPLE EXTRAADRENAL PHEOCHROMOCYTOMAS; SDHB-Related Hereditary Paraganglioma-Pheochromocytoma Syndrome (Paragangliomas 4); Paragangliomas 4; SDHB-Related Hereditary Paraganglioma-Pheochromocytoma Syndrome; PARAGANGLIOMA, FAMILIAL MALIGNANT; PARAGANGLIOMAS, HEREDITARY EXTRAADRENAL. Identifiers: Orphanet 29072, MedGen C1861848, MONDO:0007273, OMIM 115310.
Hereditary cancer-predisposing syndrome. Also called: Tumor predisposition; Neoplastic Syndromes, Hereditary; Hereditary neoplastic syndrome; Hereditary Cancer Syndrome. Identifiers: Orphanet 140162, MedGen C0027672, MeSH D009386, MONDO:0015356.
Hereditary pheochromocytoma and paraganglioma. Also called: Hereditary paragangliomas and pheochromocytomas; Hereditary Paraganglioma-Pheochromocytoma Syndromes; Hereditary pheochromocytoma-paraganglioma. Identifiers: Orphanet 29072, MedGen C4274332, MONDO:0017366.

Submissions (3):

Labcorp Genetics (formerly Invitae), Labcorp
Classification: Uncertain significance for Gastrointestinal stromal tumor; Pheochromocytoma/paraganglioma syndrome 4; Pheochromocytoma. Last evaluated: 2025-10-02. Review status: criteria provided, single submitter. Criteria: Invitae Variant Classification Sherloc (09022015). Collection method: clinical testing. Allele origin: germline.
Comment: This sequence change replaces arginine, which is basic and polar, with glycine, which is neutral and non-polar, at codon 94 of the SDHB protein (p.Arg94Gly). This variant is not present in population databases (gnomAD no frequency). This variant has not been reported in the literature in individuals affected with SDHB-related conditions. ClinVar contains an entry for this variant (Variation ID: 1043106). Invitae Evidence Modeling of protein sequence and biophysical properties (such as structural, functional, and spatial information, amino acid conservation, physicochemical variation, residue mobility, and thermodynamic stability) has been performed for this missense variant. However, the output from this modeling did not meet the statistical confidence thresholds required to predict the impact of this variant on SDHB protein function. In summary, the available evidence is currently insufficient to determine the role of this variant in disease. Therefore, it has been classified as a Variant of Uncertain Significance.

Ambry Genetics
Classification: Uncertain significance for Hereditary cancer-predisposing syndrome. Last evaluated: 2024-12-02. Review status: criteria provided, single submitter. Criteria: Ambry Variant Classification Scheme 2023. Collection method: clinical testing. Allele origin: germline.
Comment: The p.R94G variant (also known as c.280A>G), located in coding exon 3 of the SDHB gene, results from an A to G substitution at nucleotide position 280. The arginine at codon 94 is replaced by glycine, an amino acid with dissimilar properties. This amino acid position is conserved. In addition, this alteration is predicted to be deleterious by in silico analysis. Based on the available evidence, the clinical significance of this variant remains unclear.

All of Us Research Program, National Institutes of Health
Classification: Uncertain significance for Hereditary pheochromocytoma and paraganglioma. Last evaluated: 2024-01-11. Review status: criteria provided, single submitter. Criteria: ACMG Guidelines, 2015. Collection method: clinical testing. Allele origin: germline. Inheritance: Autosomal dominant inheritance. Observed: 1 variant allele, 1 heterozygote.
Comment: This study involves interpretation of variants in research participants for the purpose of population health screening. Participant phenotype was not available at the time of variant classification. Additional details can be found in publication PMID: 35346344, PMCID: PMC8962531

NM_003000.3(SDHB):c.280A>G (p.Arg94Gly)

Gene: SDHB (succinate dehydrogenase complex iron sulfur subunit B; minus strand). Cytogenetic location: 1p36.13.
Variant type: single nucleotide variant.
Coding change: c.280A>G on transcript NM_003000.3 (MANE Select); coding-DNA position 280, A replaced by G.
Protein change: p.Arg94Gly; replaces arginine 94 with glycine.
Molecular consequence: missense variant.
Genome position (GRCh38, 1-based): chr1:17,033,066, T>C on the plus strand (A>G on the coding strand, the complement: SDHB is on the minus strand). VCF-style: chr1-17033066-T-C. GRCh37 (hg19) VCF-style: chr1-17359561-T-C.
Other names: short protein forms R94G.
Identifiers: ClinVar variation 1043106 (VCV001043106.9), dbSNP rs2078031878, ClinGen allele CA338276405.
Genomic context (GRCh38, chr1:17,033,066, plus strand): 5'-AGCCTCTTTGGAAGACCACAAGTATCTGGAGCCCAACAGGAATGAAATGCTCACCTTCTC[T>C]GCATGATCTTCGGAAGGTCAAAGTAGAGTCAACTTCATTCTTAATCTTGATTAAAGCATC-3'
Protein context (NP_002991.2, residues 84-104): DSTLTFRRSC[Arg94Gly]EGICGSCAMN